The following is an entry in ClinVar:

NM_001379180.1(ESRRB):c.482C>T (p.Pro161Leu)

Gene: ESRRB (estrogen related receptor beta; plus strand). Cytogenetic location: 14q24.3.
Variant type: single nucleotide variant.
Coding change: c.482C>T on transcript NM_001379180.1 (MANE Select); coding-DNA position 482, C replaced by T.
Protein change: p.Pro161Leu; replaces proline 161 with leucine.
Molecular consequence: missense variant.
Genome position (GRCh38, 1-based): chr14:76,462,566, C>T. VCF-style: chr14-76462566-C-T. GRCh37 (hg19) VCF-style: chr14-76928909-C-T.
Other names: c.434C>T, p.Pro145Leu (NM_001411038.1); c.419C>T, p.Pro140Leu (NM_004452.4); short protein forms P161L, P145L, P140L.
Identifiers: ClinVar variation 2507803 (VCV002507803.4), dbSNP rs553712774, ClinGen allele CA7281598.

ClinVar aggregate classification (germline): Uncertain significance. Review status: criteria provided, multiple submitters, no conflicts (2 of 4 stars). 2 submissions from 2 submitters: Uncertain significance (2). Last evaluated 2024-12-19.

Allele frequency attached by ClinVar (database versions not stated): ExAC 0.00001; gnomAD exomes 0.00002; TOPMed 0.00003; gnomAD 0.00004; 1000 Genomes Project 30x 0.00016; 1000 Genomes Project 0.00020.
gnomAD v4.1: 41 of 1,613,916 alleles (0.0025%); highest among the groups gnomAD compares: African/African-American, 0.0067%; no homozygotes.

Submissions (2):

GeneDx
Classification: Uncertain significance. Last evaluated: 2024-12-19. Review status: criteria provided, single submitter. Criteria: GeneDx Variant Classification Process June 2021. Collection method: clinical testing. Allele origin: germline.
Comment: In silico analysis supports that this missense variant has a deleterious effect on protein structure/function; Has not been previously published as pathogenic or benign to our knowledge

Ambry Genetics
Classification: Uncertain significance. Last evaluated: 2023-06-12. Review status: criteria provided, single submitter. Criteria: Ambry Variant Classification Scheme 2023. Collection method: clinical testing. Allele origin: germline.